The following is an entry in ClinVar:

NM_000350.3(ABCA4):c.2354G>T (p.Arg785Leu)

Gene: ABCA4 (ATP binding cassette subfamily A member 4; minus strand). Cytogenetic location: 1p22.1.
Variant type: single nucleotide variant.
Coding change: c.2354G>T on transcript NM_000350.3 (MANE Select); coding-DNA position 2354, G replaced by T.
Protein change: p.Arg785Leu; replaces arginine 785 with leucine.
Molecular consequence: missense variant. On other transcripts: intron variant (1).
Genome position (GRCh38, 1-based): chr1:94,056,629, C>A on the plus strand (G>T on the coding strand, the complement: ABCA4 is on the minus strand). VCF-style: chr1-94056629-C-A. GRCh37 (hg19) VCF-style: chr1-94522185-C-A.
Other names: c.2161-1314G>T (NM_001425324.1); short protein forms R785L.
Identifiers: ClinVar variation 3608041 (VCV003608041.2).

ClinVar aggregate classification (germline): Uncertain significance (1 of 4 stars; one submission).

gnomAD v4.1: 12 of 1,613,378 alleles (0.00074%); highest among the groups gnomAD compares: Non-Finnish European, 0.001%; no homozygotes.

Submission:

Labcorp Genetics (formerly Invitae), Labcorp
Classification: Uncertain significance. Last evaluated: 2024-04-13. Review status: criteria provided, single submitter. Criteria: Invitae Variant Classification Sherloc (09022015). Collection method: clinical testing. Allele origin: germline.
Comment: This sequence change replaces arginine, which is basic and polar, with leucine, which is neutral and non-polar, at codon 785 of the ABCA4 protein (p.Arg785Leu). This variant is present in population databases (rs368457541, gnomAD 0.002%). This variant has not been reported in the literature in individuals affected with ABCA4-related conditions. Advanced modeling of protein sequence and biophysical properties (such as structural, functional, and spatial information, amino acid conservation, physicochemical variation, residue mobility, and thermodynamic stability) performed at Invitae indicates that this missense variant is expected to disrupt ABCA4 protein function with a positive predictive value of 95%. In summary, the available evidence is currently insufficient to determine the role of this variant in disease. Therefore, it has been classified as a Variant of Uncertain Significance.